The following is an entry in ClinVar:

ClinVar aggregate classification (germline): Conflicting classifications of pathogenicity. Review status: criteria provided, conflicting classifications (1 of 4 stars). 3 submissions from 3 submitters: Uncertain significance (2); Likely benign (1). Last evaluated 2024-07-24.

Conditions:
Hereditary cancer-predisposing syndrome. Also called: Neoplastic Syndromes, Hereditary; Hereditary Cancer Syndrome; Tumor predisposition; Hereditary neoplastic syndrome. Identifiers: Orphanet 140162, MedGen C0027672, MeSH D009386, MONDO:0015356.
Hereditary breast ovarian cancer syndrome. Also called: Hereditary breast and ovarian cancer syndrome; Hereditary breast and ovarian cancer syndrome (HBOC); BRCA1- and BRCA2-Associated Hereditary Breast and Ovarian Cancer; Hereditary breast and ovarian cancer; Hereditary breast and/or ovarian cancer syndrome; Breast and ovarian cancer. Identifiers: Orphanet 145, MedGen C0677776, MeSH D061325, MONDO:0003582. Disease mechanism: loss of function.

Allele frequency attached by ClinVar (database versions not stated): gnomAD exomes below 0.00001.
gnomAD v4.1: 1 of 1,610,724 alleles (0.000062%); highest among the groups gnomAD compares: Non-Finnish European, 0.000085%; no homozygotes.

Submissions (3):

Labcorp Genetics (formerly Invitae), Labcorp
Classification: Uncertain significance for Hereditary breast ovarian cancer syndrome. Last evaluated: 2024-07-24. Review status: criteria provided, single submitter. Criteria: Invitae Variant Classification Sherloc (09022015). Collection method: clinical testing. Allele origin: germline.
Comment: This sequence change replaces asparagine, which is neutral and polar, with serine, which is neutral and polar, at codon 673 of the BRCA2 protein (p.Asn673Ser). This variant is present in population databases (no rsID available, gnomAD 0.0009%). This variant has not been reported in the literature in individuals affected with BRCA2-related conditions. ClinVar contains an entry for this variant (Variation ID: 1038583). Advanced modeling of protein sequence and biophysical properties (such as structural, functional, and spatial information, amino acid conservation, physicochemical variation, residue mobility, and thermodynamic stability) performed at Invitae indicates that this missense variant is not expected to disrupt BRCA2 protein function with a negative predictive value of 95%. In summary, the available evidence is currently insufficient to determine the role of this variant in disease. Therefore, it has been classified as a Variant of Uncertain Significance.

Ambry Genetics
Classification: Uncertain significance for Hereditary cancer-predisposing syndrome. Last evaluated: 2024-06-04. Review status: criteria provided, single submitter. Criteria: Ambry Variant Classification Scheme 2023. Collection method: clinical testing. Allele origin: germline.
Comment: The p.N673S variant (also known as c.2018A>G), located in coding exon 10 of the BRCA2 gene, results from an A to G substitution at nucleotide position 2018. The asparagine at codon 673 is replaced by serine, an amino acid with highly similar properties. This amino acid position is not well conserved in available vertebrate species. In addition, this alteration is predicted to be tolerated by in silico analysis. Based on the available evidence, the clinical significance of this variant remains unclear.

University of Washington Department of Laboratory Medicine, University of Washington
Classification: Likely benign for Hereditary cancer-predisposing syndrome. Last evaluated: 2023-03-23. Review status: criteria provided, single submitter. Criteria: Dines et al. (Genet Med. 2020). Collection method: curation. Allele origin: germline.
Comment: Missense variant in a coldspot region where missense variants are very unlikely to be pathogenic (PMID:31911673).

BRCA2 exon 11 coldspot. Reclassification based on statistical prior probability.

NM_000059.4(BRCA2):c.2018A>G (p.Asn673Ser)

Gene: BRCA2 (BRCA2 DNA repair associated; plus strand). Cytogenetic location: 13q13.1.
Variant type: single nucleotide variant.
Coding change: c.2018A>G on transcript NM_000059.4 (MANE Select); coding-DNA position 2018, A replaced by G.
Protein change: p.Asn673Ser; replaces asparagine 673 with serine.
Molecular consequence: missense variant.
Genome position (GRCh38, 1-based): chr13:32,336,373, A>G. VCF-style: chr13-32336373-A-G. GRCh37 (hg19) VCF-style: chr13-32910510-A-G.
Other names: c.2018A>G (NM_000059.3); short protein forms N673S.
Identifiers: ClinVar variation 1038583 (VCV001038583.11), dbSNP rs1193025774, ClinGen allele CA387768795.